The following is an entry in ClinVar:

ClinVar aggregate classification (germline): Pathogenic/Likely pathogenic. Review status: criteria provided, multiple submitters, no conflicts (2 of 4 stars). 6 submissions from 6 submitters: Pathogenic (2); Likely pathogenic (4). Last evaluated 2025-06-30.

Conditions:
OAT-related disorder. Also called: OAT-related condition.
Ornithine aminotransferase deficiency (GACR). Also called: OKT DEFICIENCY; HYPERORNITHINEMIA WITH GYRATE ATROPHY OF CHOROID AND RETINA; OAT DEFICIENCY; Ornithine ketoacid aminotransferase deficiency; Gyrate atrophy; Gyrate atrophy of choroid and retina. Identifiers: Orphanet 414, MedGen C0018425, MONDO:0009796, OMIM 258870.

Submissions (6):

Natera, Inc.
Classification: Likely pathogenic for Gyrate atrophy. Last evaluated: 2025-06-30. Review status: criteria provided, single submitter. Criteria: Natera Variant Classification Schema (03/2026). Collection method: clinical testing. Allele origin: germline.
Comment: The c.97dupA variant in OAT is a frameshift variant predicted to shift the reading frame beginning at codon 33 and leads to a stop codon 9 codons downstream. This variant is expected to result in nonsense mediated decay, truncation, or a dysfunctional protein product. This variant is rare in the general population with a frequency below the threshold expected for the associated phenotype(s). Given the available evidence, this variant is classified as Likely Pathogenic.

Labcorp Genetics (formerly Invitae), Labcorp
Classification: Pathogenic for Ornithine aminotransferase deficiency. Last evaluated: 2025-06-04. Review status: criteria provided, single submitter. Criteria: Invitae Variant Classification Sherloc (09022015). Collection method: clinical testing. Allele origin: germline.
Comment: This sequence change creates a premature translational stop signal (p.Thr33Asnfs*9) in the OAT gene. It is expected to result in an absent or disrupted protein product. Loss-of-function variants in OAT are known to be pathogenic (PMID: 1737786, 23076989). This variant is not present in population databases (gnomAD no frequency). This variant has not been reported in the literature in individuals affected with OAT-related conditions. ClinVar contains an entry for this variant (Variation ID: 945586). For these reasons, this variant has been classified as Pathogenic.

GeneDx
Classification: Likely pathogenic. Last evaluated: 2024-11-27. Review status: criteria provided, single submitter. Criteria: GeneDx Variant Classification Process June 2021. Collection method: clinical testing. Allele origin: germline. Affected: yes.
Comment: Frameshift variant predicted to result in protein truncation or nonsense mediated decay in a gene for which loss of function is a known mechanism of disease; Not observed at significant frequency in large population cohorts (gnomAD); Has not been previously published as pathogenic or benign to our knowledge

Baylor Genetics
Classification: Likely pathogenic for Ornithine aminotransferase deficiency. Last evaluated: 2024-03-29. Review status: criteria provided, single submitter. Criteria: ACMG Guidelines, 2015. Collection method: clinical testing. Allele origin: unknown.

Blueprint Genetics
Classification: Pathogenic for OAT-related disorders. Last evaluated: 2022-11-06. Review status: criteria provided, single submitter. Criteria: ACMG Guidelines, 2015. Collection method: clinical testing. Allele origin: germline. Affected: yes. Observed: 4 variant alleles.

Fulgent Genetics
Classification: Likely pathogenic for Ornithine aminotransferase deficiency. Last evaluated: 2022-03-23. Review status: criteria provided, single submitter. Criteria: ACMG Guidelines, 2015. Collection method: clinical testing. Allele origin: unknown.

Literature cited by the submitters: PubMed 1737786 (cited by Labcorp Genetics (formerly Invitae), Labcorp); PubMed 23076989 (cited by Labcorp Genetics (formerly Invitae), Labcorp).

NM_000274.4(OAT):c.97dup (p.Thr33fs)

Gene: OAT (ornithine aminotransferase; minus strand). Cytogenetic location: 10q26.13.
Variant type: Duplication.
Coding change: c.97dup on transcript NM_000274.4 (MANE Select); coding-DNA position 97, one base duplicated (A; older notation c.97dupA).
Protein change: p.Thr33fs; shifts the reading frame from threonine 33.
Molecular consequence: frameshift variant. On other transcripts: intron variant (2).
Genome position (GRCh38, 1-based): chr10:124,412,075, T duplicated on the plus strand (A on the coding strand, the reverse complement: OAT is on the minus strand); the first of 7 consecutive T bases (chr10:124,412,075-124,412,081); duplicating any one gives the same sequence. VCF-style (leftmost placement, unchanged base first): chr10-124412074-G-GT. GRCh37 (hg19) VCF-style: chr10-126100643-G-GT.
Other names: c.97dup, p.Thr33fs (NM_001322965.2, NM_001322966.2, NM_001322967.2 and 4 more transcripts); c.-215-3110dup (NM_001171814.2); c.-515-3110dup (NM_001322974.2); c.97dupA (NM_000274.3); short protein forms T33fs.
Identifiers: ClinVar variation 945586 (VCV000945586.12), dbSNP rs1375779674, ClinGen allele CA661090823.